The following is an entry in ClinVar:

ClinVar aggregate classification (germline): Uncertain significance. Review status: criteria provided, multiple submitters, no conflicts (2 of 4 stars). 2 submissions from 2 submitters: Uncertain significance (2). Last evaluated 2024-05-01.

Conditions:
Inborn genetic diseases. Identifiers: MedGen C0950123, MeSH D030342.

Allele frequency attached by ClinVar (database versions not stated): ExAC 0.00001; gnomAD 0.00001; gnomAD exomes 0.00001; TOPMed 0.00001.
gnomAD v4.1: 11 of 1,614,010 alleles (0.00068%); highest among the groups gnomAD compares: Middle Eastern, 0.016%; no homozygotes.

Submissions (2):

GeneDx
Classification: Uncertain significance. Last evaluated: 2024-05-01. Review status: criteria provided, single submitter. Criteria: GeneDx Variant Classification Process June 2021. Collection method: clinical testing. Allele origin: germline. Affected: yes.
Comment: In silico analysis supports that this missense variant has a deleterious effect on protein structure/function; Has not been previously published as pathogenic or benign to our knowledge

Ambry Genetics
Classification: Uncertain significance for Inborn genetic diseases. Last evaluated: 2023-05-24. Review status: criteria provided, single submitter. Criteria: Ambry Variant Classification Scheme 2023. Collection method: clinical testing. Allele origin: germline.

NM_001127671.2(LIFR):c.1996C>T (p.Arg666Trp)

Gene: LIFR (LIF receptor subunit alpha; minus strand). Cytogenetic location: 5p13.1.
Variant type: single nucleotide variant.
Coding change: c.1996C>T on transcript NM_001127671.2 (MANE Select); coding-DNA position 1996, C replaced by T.
Protein change: p.Arg666Trp; replaces arginine 666 with tryptophan.
Molecular consequence: missense variant.
Genome position (GRCh38, 1-based): chr5:38,493,675, G>A on the plus strand (C>T on the coding strand, the complement: LIFR is on the minus strand). VCF-style: chr5-38493675-G-A. GRCh37 (hg19) VCF-style: chr5-38493777-G-A.
Other names: c.1996C>T, p.Arg666Trp (NM_001364297.2, NM_001364298.2, NM_002310.6); short protein forms R666W.
Identifiers: ClinVar variation 2550875 (VCV002550875.3), dbSNP rs780738548, ClinGen allele CA3242786.
Genomic context (GRCh38, chr5:38,493,675, plus strand): 5'-TTACAGTTTCAGTGCTGTTTGAGGGAACTTTTCTCCAGTCCATAAGGCATGGTTCCGACC[G>A]AGACGAGTTACACCACTTAATGACGTAGTCGCAAGTCATGTTGGGGTCGTAATGCCAGGT-3'
Protein context (NP_001121143.1, residues 656-676): DYVIKWCNSS[Arg666Trp]SEPCLMDWRK